The following is an entry in ClinVar:

ClinVar aggregate classification (germline): Pathogenic/Likely pathogenic. Review status: criteria provided, multiple submitters, no conflicts (2 of 4 stars). 2 submissions from 2 submitters: Pathogenic (1); Likely pathogenic (1). Last evaluated 2026-07-23.

Conditions:
Pheochromocytoma/paraganglioma syndrome 2. Also called: GLOMUS TUMORS, FAMILIAL, 2; Paragangliomas 2; SDHAF2-Related Hereditary Paraganglioma-Pheochromocytoma Syndrome (Paragangliomas 2); SDHAF2-Related Hereditary Paraganglioma-Pheochromocytoma Syndrome. Identifiers: Orphanet 29072, MedGen C1866552, MONDO:0011121, OMIM 601650.

Submissions (2):

Myriad Genetics, Inc.
Classification: Pathogenic for Pheochromocytoma/paraganglioma syndrome 2. Last evaluated: 2026-07-23. Review status: criteria provided, single submitter. Criteria: Myriad Autosomal Dominant, Autosomal Recessive and X-Linked Classification Criteria (2023). Collection method: clinical testing. Allele origin: unknown.
Comment: This variant is considered pathogenic. This variant creates a termination codon and is predicted to result in premature protein truncation.

CeGaT Center for Human Genetics Tuebingen
Classification: Likely pathogenic. Last evaluated: 2024-06-01. Review status: criteria provided, single submitter. Criteria: CeGaT Center For Human Genetics Tuebingen Variant Classification Criteria Version 2. Collection method: clinical testing. Allele origin: germline. Affected: yes. Observed: 1 variant allele.
Comment: SDHAF2: PVS1:Strong, PM2

NM_017841.4(SDHAF2):c.348G>A (p.Trp116Ter)

Gene: SDHAF2 (succinate dehydrogenase complex assembly factor 2; plus strand). Cytogenetic location: 11q12.2.
Variant type: single nucleotide variant.
Coding change: c.348G>A on transcript NM_017841.4 (MANE Select); coding-DNA position 348, G replaced by A.
Protein change: p.Trp116Ter; replaces tryptophan 116 with a stop codon.
Molecular consequence: nonsense.
Genome position (GRCh38, 1-based): chr11:61,438,091, G>A. VCF-style: chr11-61438091-G-A. GRCh37 (hg19) VCF-style: chr11-61205563-G-A.
Other names: short protein forms W116*.
Identifiers: ClinVar variation 3251123 (VCV003251123.18), dbSNP rs1590765145.